The following is an entry in ClinVar:

ClinVar aggregate classification (germline): Uncertain significance. Review status: criteria provided, multiple submitters, no conflicts (2 of 4 stars). 2 submissions from 2 submitters: Uncertain significance (2). Last evaluated 2025-12-02.

Conditions:
Inborn genetic diseases. Identifiers: MedGen C0950123, MeSH D030342.
T-cell immunodeficiency, congenital alopecia, and nail dystrophy. Also called: Congenital alopecia and nail dystrophy associated with severe functional T-cell immunodeficiency; Pignata Guarino syndrome. Identifiers: Orphanet 169095, MedGen C1866426, MONDO:0011132, OMIM 601705.

Allele frequency attached by ClinVar (database versions not stated): gnomAD exomes below 0.00001 and 0.00002; gnomAD 0.00001.
gnomAD v4.1: 13 of 1,613,522 alleles (0.00081%); highest among the groups gnomAD compares: African/African-American, 0.0013%; no homozygotes.

Submissions (2):

Ambry Genetics
Classification: Uncertain significance for Inborn genetic diseases. Last evaluated: 2025-12-02. Review status: criteria provided, single submitter. Criteria: Ambry Variant Classification Scheme 2023. Collection method: clinical testing. Allele origin: germline.

Labcorp Genetics (formerly Invitae), Labcorp
Classification: Uncertain significance for T-cell immunodeficiency, congenital alopecia, and nail dystrophy. Last evaluated: 2022-10-17. Review status: criteria provided, single submitter. Criteria: Invitae Variant Classification Sherloc (09022015). Collection method: clinical testing. Allele origin: germline.
Comment: This sequence change replaces alanine, which is neutral and non-polar, with threonine, which is neutral and polar, at codon 143 of the FOXN1 protein (p.Ala143Thr). This variant is present in population databases (no rsID available, gnomAD 0.004%). This variant has not been reported in the literature in individuals affected with FOXN1-related conditions. ClinVar contains an entry for this variant (Variation ID: 1503558). Advanced modeling of protein sequence and biophysical properties (such as structural, functional, and spatial information, amino acid conservation, physicochemical variation, residue mobility, and thermodynamic stability) performed at Invitae indicates that this missense variant is not expected to disrupt FOXN1 protein function. In summary, the available evidence is currently insufficient to determine the role of this variant in disease. Therefore, it has been classified as a Variant of Uncertain Significance.

NM_001369369.1(FOXN1):c.427G>A (p.Ala143Thr)

Gene: FOXN1 (forkhead box N1; plus strand). Cytogenetic location: 17q11.2.
Variant type: single nucleotide variant.
Coding change: c.427G>A on transcript NM_001369369.1 (MANE Select); coding-DNA position 427, G replaced by A.
Protein change: p.Ala143Thr; replaces alanine 143 with threonine.
Molecular consequence: missense variant.
Genome position (GRCh38, 1-based): chr17:28,524,806, G>A. VCF-style: chr17-28524806-G-A. GRCh37 (hg19) VCF-style: chr17-26851824-G-A.
Other names: c.427G>A (NM_003593.2); c.427G>A, p.Ala143Thr (NM_003593.3); short protein forms A143T.
Identifiers: ClinVar variation 1503558 (VCV001503558.4), dbSNP rs1052421079, ClinGen allele CA289116323.